The following is an entry in ClinVar:

ClinVar aggregate classification (germline): Uncertain significance (0 of 4 stars; one submission).

Conditions:
GJA3-related disorder. Also called: GJA3-related condition.

Allele frequency attached by ClinVar (database versions not stated): gnomAD 0.00001.
gnomAD v4.1: 3 of 1,602,104 alleles (0.00019%); highest among the groups gnomAD compares: African/African-American, 0.0027%; no homozygotes.

Submission:

PreventionGenetics, part of Exact Sciences
Classification: Uncertain significance for GJA3-related condition. Last evaluated: 2024-01-20. Review status: no assertion criteria provided. Collection method: clinical testing. Allele origin: germline.
Comment: The GJA3 c.297C>G variant is predicted to result in the amino acid substitution p.Ile99Met. To our knowledge, this variant has not been reported in the literature or in a large population database, indicating this variant is rare. At this time, the clinical significance of this variant is uncertain due to the absence of conclusive functional and genetic evidence.

NM_021954.4(GJA3):c.297C>G (p.Ile99Met)

Gene: GJA3 (gap junction protein alpha 3; minus strand). Cytogenetic location: 13q12.11.
Variant type: single nucleotide variant.
Coding change: c.297C>G on transcript NM_021954.4 (MANE Select); coding-DNA position 297, C replaced by G.
Protein change: p.Ile99Met; replaces isoleucine 99 with methionine.
Molecular consequence: missense variant.
Genome position (GRCh38, 1-based): chr13:20,142,992, G>C on the plus strand (C>G on the coding strand, the complement: GJA3 is on the minus strand). VCF-style: chr13-20142992-G-C. GRCh37 (hg19) VCF-style: chr13-20717131-G-C.
Other names: short protein forms I99M.
Identifiers: ClinVar variation 3030788 (VCV003030788.2), dbSNP rs371210513, ClinGen allele CA387465134.